The following is an entry in ClinVar:

NM_000138.5(FBN1):c.2179T>C (p.Cys727Arg)

Gene: FBN1 (fibrillin 1; minus strand). Cytogenetic location: 15q21.1.
Variant type: single nucleotide variant.
Coding change: c.2179T>C on transcript NM_000138.5 (MANE Select); coding-DNA position 2179, T replaced by C.
Protein change: p.Cys727Arg; replaces cysteine 727 with arginine.
Molecular consequence: missense variant.
Genome position (GRCh38, 1-based): chr15:48,497,380, A>G on the plus strand (T>C on the coding strand, the complement: FBN1 is on the minus strand). VCF-style: chr15-48497380-A-G. GRCh37 (hg19) VCF-style: chr15-48789577-A-G.
Other names: short protein forms C727R.
Identifiers: ClinVar variation 419660 (VCV000419660.3), dbSNP rs1064794025, ClinGen allele CA16619970.
Genomic context (GRCh38, chr15:48,497,380, plus strand): 5'-TATAGGTCCCACGAAGGTTTTCACAGATTCCATTTGGGCAAATATCAGGATCTAGTGCAC[A>G]TTCATTTATATCTGCACCACAAAAAAGGTCAAAATCAATTAAGATTATAAAATAAATACT-3'
Protein context (NP_000129.3, residues 717-737): MTSAGSDINE[Cys727Arg]ALDPDICPNG

ClinVar aggregate classification (germline): Pathogenic/Likely pathogenic. Review status: criteria provided, multiple submitters, no conflicts (2 of 4 stars). 2 submissions from 2 submitters: Pathogenic (1); Likely pathogenic (1). Last evaluated 2024-10-16.

Conditions:
Marfan syndrome (MFS). Also called: MARFAN SYNDROME, TYPE I; FBN1-Related Marfan Syndrome; Marfan syndrome type 1; Marfan's syndrome; Marfan syndrome, classic. Identifiers: Orphanet 284963, Orphanet 558, MedGen C0024796, MONDO:0007947, OMIM 154700.

Submissions (2):

3billion
Classification: Likely pathogenic for Marfan syndrome. Last evaluated: 2024-10-16. Review status: criteria provided, single submitter. Criteria: ACMG Guidelines, 2015. Collection method: clinical testing. Allele origin: germline. Affected: yes.
Comment: The variant is not observed in the gnomAD v4.1.0 dataset. Predicted Consequence/Location: Missense variant In silico tool predictions suggest damaging effect of the variant on gene or gene product [REVEL: 0.98 (>=0.6, sensitivity 0.68 and specificity 0.92); 3Cnet: 0.94 (>=0.6, sensitivity 0.72 and precision 0.9)]. The same nucleotide change resulting in the same amino acid change has been previously reported to be associated with FBN1 related disorder (ClinVar ID: VCV000419660 /PMID: 31106028).A different missense change at the same codon (p.Cys727Ser, p.Cys727Tyr) have been reported as pathogenic/likely pathogenic with strong evidence (ClinVar ID: VCV000199991, VCV001393600 /PMID: 17657824). Therefore, this variant is classified as Likely pathogenic according to the recommendation of ACMG/AMP guideline.

GeneDx
Classification: Pathogenic. Last evaluated: 2015-08-05. Review status: criteria provided, single submitter. Criteria: GeneDx Variant Classification (06012015). Collection method: clinical testing. Allele origin: germline. Affected: yes.
Comment: While the C727R substitution in the FBN1 gene has not been reported to our knowledge, a variant affecting thissame residue, C727Y, has been reported in association with both Marfan syndrome and familial ectopia lentis(Comeglio P et al., 2007; Aragon-Martin J et al., 2010). The C727R variant affects a Cysteine residue withincalcium-binding EGF-like domain 11 of fibrillin-1. Cysteine substitutions in the calcium-binding EGF-likedomains represent the majority of pathogenic missense changes associated with FBN1-related disorders(Collod-Beroud G et al., 2003). C727 is predicted to participate in disulfide bonding with C739, thereforealteration of C727 may alter the structure and function of the protein. Additionally, variants in nearbyresidues (I724V, I724R, E726G, C734F, G737V) have been reported in the Human Gene Mutation Database inassociation with FBN1-related disorders (Stenson P et al., 2014), further supporting the functional importanceof this residue and this region of the protein. In addition, C727R results in a non-conservative amino acidsubstitution at a position that is conserved across species. In silico analysis predicts C727R is probablydamaging to the protein structure/function. Finally, C727R was not observed in approximately 6,500individuals of European and African American ancestry in the NHLBI Exome Sequencing Project, indicating itis not a common benign variant in these populations. In summary, C727R in the FBN1 gene is interpreted as a pathogenic variant.

Literature cited by the submitters: PubMed 31106028 (cited by 3billion); PubMed 17657824 (cited by 3billion).